The following is an entry in ClinVar:

NM_005430.4(WNT1):c.506dup (p.Cys170fs)

Gene: WNT1 (Wnt family member 1; plus strand). Cytogenetic location: 12q13.12.
Variant type: Duplication.
Coding change: c.506dup on transcript NM_005430.4 (MANE Select); coding-DNA position 506, one base duplicated (G; older notation c.506dupG).
Protein change: p.Cys170fs; shifts the reading frame from cysteine 170.
Molecular consequence: frameshift variant.
Genome position (GRCh38, 1-based): chr12:48,980,571, G duplicated; the last of 7 consecutive G bases (chr12:48,980,565-48,980,571); duplicating any one gives the same sequence. VCF-style (leftmost placement, unchanged base first): chr12-48980564-T-TG. GRCh37 (hg19) VCF-style: chr12-49374347-T-TG.
Other names: c.506dupG (NM_005430.3); short protein forms C170fs.
Identifiers: ClinVar variation 1332774 (VCV001332774.13), dbSNP rs779969402, ClinGen allele CA6544405.

ClinVar aggregate classification (germline): Pathogenic. Review status: criteria provided, multiple submitters, no conflicts (2 of 4 stars). 8 submissions from 8 submitters: Pathogenic (8). Last evaluated 2026-04-20.

Conditions:
Osteogenesis imperfecta type 15. Also called: OI, TYPE XV; WNT1-related osteogenesis imperfecta; Osteogenesis imperfecta, type xv. Identifiers: Orphanet 666, MedGen C3808844, MONDO:0014086, OMIM 615220.
WNT1-related disorder. Also called: WNT1-related condition.
Osteogenesis imperfecta (OI). Identifiers: Orphanet 666, MedGen C0029434, MeSH D010013, MONDO:0019019.

Submissions (8):

PreventionGenetics, part of Exact Sciences
Classification: Pathogenic for WNT1-related condition. Last evaluated: 2026-04-20. Review status: criteria provided, single submitter. Criteria: ACMG Guidelines, 2015. Collection method: clinical testing. Allele origin: germline.
Comment: The WNT1 c.506dupG variant is predicted to result in a frameshift and premature protein termination (p.Cys170Leufs*6). This variant has been reported in both the homozygous state and compound heterozygous state in several individuals with autosomal recessive osteogenesis imperfecta (see for example: Pyott et al. 2013. PubMed ID: 23499310; Liu et al. 2016. PubMed ID: 27450065; Mrosk et al. 2018. PubMed ID: 29499418; Cao et al. 2019. PubMed ID: 30913006). This variant is reported in 0.015% of alleles in individuals of European (non-Finnish) descent in gnomAD and is classified as pathogenic in the ClinVar database (Variation ID: 1332774). Frameshift variants in WNT1 are expected to be pathogenic. This variant is interpreted as pathogenic.

Labcorp Genetics (formerly Invitae), Labcorp
Classification: Pathogenic. Last evaluated: 2025-08-11. Review status: criteria provided, single submitter. Criteria: Invitae Variant Classification Sherloc (09022015). Collection method: clinical testing. Allele origin: germline.
Comment: This sequence change creates a premature translational stop signal (p.Cys170Leufs*6) in the WNT1 gene. It is expected to result in an absent or disrupted protein product. Loss-of-function variants in WNT1 are known to be pathogenic (PMID: 23434763, 23499309). The frequency data for this variant in the population databases is considered unreliable, as metrics indicate poor data quality at this position in the gnomAD database. This premature translational stop signal has been observed in individual(s) with clinical features of autosomal recessive osteogenesis imperfecta (PMID: 23499310, 30896082, 30913006). In at least one individual the data is consistent with being in trans (on the opposite chromosome) from a pathogenic variant. It has also been observed to segregate with disease in related individuals. ClinVar contains an entry for this variant (Variation ID: 1332774). For these reasons, this variant has been classified as Pathogenic.

Revvity Omics, Revvity
Classification: Pathogenic for Osteogenesis imperfecta type 15. Last evaluated: 2025-06-12. Review status: criteria provided, single submitter. Criteria: ACMG Guidelines, 2015. Collection method: clinical testing. Allele origin: germline.

GeneDx
Classification: Pathogenic. Last evaluated: 2024-12-23. Review status: criteria provided, single submitter. Criteria: GeneDx Variant Classification Process June 2021. Collection method: clinical testing. Allele origin: germline. Affected: yes.
Comment: Frameshift variant predicted to result in protein truncation or nonsense mediated decay in a gene for which loss of function is a known mechanism of disease; Not observed at significant frequency in large population cohorts (gnomAD); This variant is associated with the following publications: (PMID: 34335676, 29552441, 29499418, 30913006, 30896082, 36595228, 37270749, 37011981, 32201670, 27450065, 23499310)

Blueprint Genetics
Classification: Pathogenic for WNT1-related disorders. Last evaluated: 2023-10-26. Review status: criteria provided, single submitter. Criteria: ACMG Guidelines, 2015. Collection method: clinical testing. Allele origin: germline. Affected: yes. Observed: 5 variant alleles.

Women's Health and Genetics/Laboratory Corporation of America, LabCorp
Classification: Pathogenic for Osteogenesis imperfecta. Last evaluated: 2022-06-24. Review status: criteria provided, single submitter. Criteria: LabCorp Variant Classification Summary - May 2015. Collection method: clinical testing. Allele origin: germline.
Comment: Variant summary: WNT1 c.506dupG (p.Cys170LeufsX6) results in a premature termination codon, predicted to cause a truncation of the encoded protein or absence of the protein due to nonsense mediated decay, which are commonly known mechanisms for disease. Truncations downstream of this position have been classified as pathogenic in ClinVar. The variant allele was found at a frequency of 9.5e-05 in 232192 control chromosomes. This frequency is not significantly higher than expected for a pathogenic variant in WNT1 causing Osteogenesis Imperfecta (9.5e-05 vs 0.0011), allowing no conclusion about variant significance. c.506dupG has been reported in the literature in multiple individuals affected with Osteogenesis Imperfecta. These data indicate that the variant is very likely to be associated with disease. One clinical diagnostic laboratory has submitted clinical-significance assessments for this variant to ClinVar after 2014 without evidence for independent evaluation and classified the variant as pathogenic. Based on the evidence outlined above, the variant was classified as pathogenic.

Kasturba Medical College, Manipal, Kasturba Medical College, Manipal, Manipal Academy of Higher Education, Manipal, India
Classification: Pathogenic for Osteogenesis imperfecta type 15. Review status: criteria provided, single submitter. Criteria: ACMG Guidelines, 2015. Collection method: clinical testing. Allele origin: inherited. Affected: yes.

Neuberg Centre For Genomic Medicine, NCGM
Classification: Pathogenic for Osteogenesis imperfecta type 15. Review status: criteria provided, single submitter. Criteria: ACMG Guidelines, 2015. Collection method: clinical testing. Allele origin: germline. Inheritance: Autosomal recessive inheritance. Affected: yes.
Comment: The frameshift variant c.506dup (p.Cys170LeufsTer6) in the WNT1 gene has been reported previously in homozygous and compound heterozygous state in individuals affected with osteogenesis imperfecta (Kuptanon et al., 2018; Liu et al., 2016). This variant is reported with the allele frequency (0.009%) in the gnomAD Exomes. It is submitted to ClinVar as Pathogenic. This variant is predicted to cause loss of normal protein function through protein truncation. Loss of function variants have been previously reported to be disease-causing. For these reasons, this variant has been classified as Pathogenic.

Literature cited by the submitters: PubMed 23434763 (cited by Labcorp Genetics (formerly Invitae), Labcorp); PubMed 23499309 (cited by Labcorp Genetics (formerly Invitae), Labcorp); PubMed 23499310 (cited by Labcorp Genetics (formerly Invitae), Labcorp); PubMed 30896082 (cited by Labcorp Genetics (formerly Invitae), Labcorp); PubMed 30913006 (cited by Labcorp Genetics (formerly Invitae), Labcorp); PubMed 29499418 (cited by Women's Health and Genetics/Laboratory Corporation of America, LabCorp).